The following is an entry in ClinVar:

NM_207361.6(FREM2):c.5208A>G (p.Leu1736=)

Gene: FREM2 (FRAS1 related extracellular matrix 2; plus strand). Cytogenetic location: 13q13.3.
Variant type: single nucleotide variant.
Coding change: c.5208A>G on transcript NM_207361.6 (MANE Select); coding-DNA position 5208, A replaced by G.
Protein change: p.Leu1736=; no amino-acid change (leucine 1736 retained).
Molecular consequence: synonymous variant.
Genome position (GRCh38, 1-based): chr13:38,697,732, A>G. VCF-style: chr13-38697732-A-G. GRCh37 (hg19) VCF-style: chr13-39271869-A-G.
Other names: c.5208A>G (NM_207361.5).
Identifiers: ClinVar variation 2969576 (VCV002969576.5), dbSNP rs766821969, ClinGen allele CA6955178.

ClinVar aggregate classification (germline): Likely benign. Review status: criteria provided, single submitter (1 of 4 stars). 2 submissions from 2 submitters: Likely benign (1). 1 of the submissions does not count toward it. Last evaluated 2023-12-22.

Conditions:
FREM2-related disorder. Also called: FREM2-related condition.

Allele frequency attached by ClinVar (database versions not stated): gnomAD 0.00001; TOPMed 0.00001; ExAC 0.00002; gnomAD exomes 0.00003.
gnomAD v4.1: 51 of 1,609,280 alleles (0.0032%); highest among the groups gnomAD compares: Middle Eastern, 0.082%; 1 homozygote.

Submissions (2):

Labcorp Genetics (formerly Invitae), Labcorp
Classification: Likely benign. Last evaluated: 2023-12-22. Review status: criteria provided, single submitter. Criteria: Invitae Variant Classification Sherloc (09022015). Collection method: clinical testing. Allele origin: germline.

PreventionGenetics, part of Exact Sciences
Classification: Likely benign for FREM2-related condition. Last evaluated: 2022-05-02. Review status: no assertion criteria provided. Collection method: clinical testing. Allele origin: germline. Not counted in ClinVar's aggregate classification.
Comment: This variant is classified as likely benign based on ACMG/AMP sequence variant interpretation guidelines (Richards et al. 2015 PMID: 25741868, with internal and published modifications).